The following is an entry in ClinVar:

ClinVar aggregate classification (germline): Uncertain significance (1 of 4 stars; one submission).

Submission:

GeneDx
Classification: Uncertain significance. Last evaluated: 2023-12-18. Review status: criteria provided, single submitter. Criteria: GeneDx Variant Classification Process June 2021. Collection method: clinical testing. Allele origin: germline. Affected: yes.
Comment: Not observed at significant frequency in large population cohorts (gnomAD); In silico analysis supports that this missense variant has a deleterious effect on protein structure/function; Has not been previously published as pathogenic or benign to our knowledge

NM_001379110.1(SLC9A6):c.716A>G (p.Asn239Ser)

Gene: SLC9A6 (solute carrier family 9 member A6; plus strand). Cytogenetic location: Xq26.3.
Variant type: single nucleotide variant.
Coding change: c.716A>G on transcript NM_001379110.1 (MANE Select); coding-DNA position 716, A replaced by G.
Protein change: p.Asn239Ser; replaces asparagine 239 with serine.
Molecular consequence: missense variant.
Genome position (GRCh38, 1-based): chrX:136,002,186, A>G. VCF-style: chrX-136002186-A-G. GRCh37 (hg19) VCF-style: chrX-135084345-A-G.
Other names: c.872A>G, p.Asn291Ser (NM_001042537.2); c.716A>G, p.Asn239Ser (NM_001177651.2, NM_001400909.1, NM_001400910.1 and 2 more transcripts); c.620A>G, p.Asn207Ser (NM_001330652.2, NM_001400913.1); c.776A>G, p.Asn259Ser (NM_006359.3); short protein forms N207S, N239S, N259S, N291S.
Identifiers: ClinVar variation 3369938 (VCV003369938.1).